The following is an entry in ClinVar:

ClinVar aggregate classification (germline): Uncertain significance (1 of 4 stars; one submission).

Conditions:
ZNRF3-related disorder.

gnomAD v4.1: 1 of 1,219,920 alleles (0.000082%); highest among the groups gnomAD compares: South Asian, 0.0016%; no homozygotes.

Submission:

3billion
Classification: Uncertain significance for ZNRF3-related disorder. Last evaluated: 2024-12-03. Review status: criteria provided, single submitter. Criteria: ACMG Guidelines, 2015. Collection method: clinical testing. Allele origin: germline. Affected: yes.
Comment: The variant is observed at an extremely low frequency in the gnomAD v4.1.0 dataset (total allele frequency: <0.001%). Predicted Consequence/Location: Canonical splice site: predicted to alter splicing and result in a loss or disruption of normal protein function. Multiple pathogenic loss-of-function variants are reported downstream of the variant. In silico tools predict the variant to alter splicing and produce an abnormal transcript [SpliceAI: 0.99 (spliceogenicity >=0.2, non-spliceogenicity <0.1)]. Therefore, this variant is classified as VUS according to the recommendation of ACMG/AMP guideline.

NM_001206998.2(ZNRF3):c.300+2T>C

Gene: ZNRF3 (zinc and ring finger 3; plus strand). Cytogenetic location: 22q12.1.
Variant type: single nucleotide variant.
Coding change: c.300+2T>C on transcript NM_001206998.2 (MANE Select); the canonical splice donor site of the intron after coding-DNA position 300, T replaced by C.
Molecular consequence: splice donor variant.
Genome position (GRCh38, 1-based): chr22:28,884,068, T>C. VCF-style: chr22-28884068-T-C. GRCh37 (hg19) VCF-style: chr22-29280056-T-C.
Identifiers: ClinVar variation 4292731 (VCV004292731.1).